The following is an entry in ClinVar:

ClinVar aggregate classification (germline): Benign (1 of 4 stars; one submission).

Allele frequency attached by ClinVar (database versions not stated): 1000 Genomes Project 30x 0.00312; 1000 Genomes Project 0.00339; ExAC 0.00801; gnomAD 0.00822; TOPMed 0.00846; ESP Exome Variant Server 0.00946.
gnomAD v4.1: 19,971 of 1,613,880 alleles (1.2%); highest among the groups gnomAD compares: Non-Finnish European, 1.6%; 169 homozygotes.

Submission:

CeGaT Center for Human Genetics Tuebingen
Classification: Benign. Last evaluated: 2023-12-01. Review status: criteria provided, single submitter. Criteria: CeGaT Center For Human Genetics Tuebingen Variant Classification Criteria Version 2. Collection method: clinical testing. Allele origin: germline. Affected: yes. Observed: 3 variant alleles.
Comment: TKFC: BP4, BP7, BS1, BS2

NM_015533.4(TKFC):c.576G>A (p.Gly192=)

Gene: TKFC (triokinase and FMN cyclase; plus strand). Cytogenetic location: 11q12.2.
Variant type: single nucleotide variant.
Coding change: c.576G>A on transcript NM_015533.4 (MANE Select); coding-DNA position 576, G replaced by A.
Protein change: p.Gly192=; no amino-acid change (glycine 192 retained).
Molecular consequence: synonymous variant.
Genome position (GRCh38, 1-based): chr11:61,341,833, G>A. VCF-style: chr11-61341833-G-A. GRCh37 (hg19) VCF-style: chr11-61109305-G-A.
Other names: c.576G>A, p.Gly192= (NM_001351976.2, NM_001351977.2, NM_001351978.2 and 1 more transcripts); c.366G>A, p.Gly122= (NM_001351980.2).
Identifiers: ClinVar variation 2641824 (VCV002641824.24), dbSNP rs117064389, ClinGen allele CA6033762.